The following is an entry in ClinVar:

NM_002890.3(RASA1):c.1073A>G (p.Lys358Arg)

Genes: CCNH (cyclin H; minus strand), RASA1 (RAS p21 protein activator 1; plus strand). Cytogenetic location: 5q14.3.
Variant type: single nucleotide variant.
Coding change: c.1073A>G on transcript NM_002890.3 (MANE Select); coding-DNA position 1073, A replaced by G.
Protein change: p.Lys358Arg; replaces lysine 358 with arginine.
Molecular consequence: missense variant. On other transcripts: intron variant (1).
Genome position (GRCh38, 1-based): chr5:87,346,695, A>G. VCF-style: chr5-87346695-A-G. GRCh37 (hg19) VCF-style: chr5-86642512-A-G.
Other names: c.542A>G, p.Lys181Arg (NM_022650.3); c.934-33900T>C (NM_001364075.2); short protein forms K181R, K358R.
Identifiers: ClinVar variation 1437636 (VCV001437636.8), dbSNP rs913909238, ClinGen allele CA121788015.

ClinVar aggregate classification (germline): Uncertain significance. Review status: criteria provided, multiple submitters, no conflicts (2 of 4 stars). 2 submissions from 2 submitters: Uncertain significance (2). Last evaluated 2024-12-19.

Conditions:
Cardiovascular phenotype. Identifiers: MedGen CN230736.
Capillary malformation-arteriovenous malformation syndrome. Also called: Capillary malformation-arteriovenous malformation. Identifiers: Orphanet 137667, MedGen C1842180, MONDO:0012016.

Allele frequency attached by ClinVar (database versions not stated): gnomAD 0.00001; gnomAD exomes below 0.00001; TOPMed below 0.00001.
gnomAD v4.1: 4 of 1,553,636 alleles (0.00026%); highest among the groups gnomAD compares: Non-Finnish European, 0.00027%; no homozygotes.

Submissions (2):

Labcorp Genetics (formerly Invitae), Labcorp
Classification: Uncertain significance for Capillary malformation-arteriovenous malformation syndrome. Last evaluated: 2024-12-19. Review status: criteria provided, single submitter. Criteria: Invitae Variant Classification Sherloc (09022015). Collection method: clinical testing. Allele origin: germline.
Comment: This sequence change replaces lysine, which is basic and polar, with arginine, which is basic and polar, at codon 358 of the RASA1 protein (p.Lys358Arg). This variant is not present in population databases (gnomAD no frequency). This variant has not been reported in the literature in individuals affected with RASA1-related conditions. ClinVar contains an entry for this variant (Variation ID: 1437636). An algorithm developed to predict the effect of missense changes on protein structure and function (PolyPhen-2) suggests that this variant is likely to be disruptive. In summary, the available evidence is currently insufficient to determine the role of this variant in disease. Therefore, it has been classified as a Variant of Uncertain Significance.

Ambry Genetics
Classification: Uncertain significance for Cardiovascular phenotype. Last evaluated: 2022-06-27. Review status: criteria provided, single submitter. Criteria: Ambry Variant Classification Scheme 2023. Collection method: clinical testing. Allele origin: germline.
Comment: The p.K358R variant (also known as c.1073A>G), located in coding exon 7 of the RASA1 gene, results from an A to G substitution at nucleotide position 1073. The lysine at codon 358 is replaced by arginine, an amino acid with highly similar properties. This amino acid position is conserved. In addition, the in silico prediction for this alteration is inconclusive. Since supporting evidence is limited at this time, the clinical significance of this alteration remains unclear.